The following is an entry in ClinVar:

ClinVar aggregate classification (germline): not provided (0 of 4 stars; one submission).

Conditions:
Gestational diabetes mellitus uncontrolled. Identifiers: MedGen C3532257.

Submission:

Institute of Molecular and Cell Biology, University of Tartu
No classification provided. Condition: Gestational diabetes mellitus uncontrolled. Review status: no classification provided. Collection method: case-control. Allele origin: unknown. Affected: yes. Study: Kasak2014.
Comment: The study aimed to determine the contribution of copy number variants in the genetic etiology of normal and complicated pregnancies. The samples represented (i) maternal blood DNA drawn from healthy pregnant women during 1st or 2nd trimester and (ii) maternal and paternal blood DNA drawn at term pregnancy cases representing normal and complicated gestations (severe preeclampsia, PE; gestational diabetes, GD; small-for-gestational age newborn, SGA; large-for-gestational age newborn, LGA). We performed CNV calling based on genome-wide genotyping dataset (Illumina HumanOmniExpress-24-v1 BeadChip) by applying three algorithms, QuantiSNP, GADA (Genome Alteration Detection Algorithm) and CNstream in parallel. The acquired CNV calls were merged with HD-CNV (Hotspot Detector for Copy Number Variants) program and only the CNVs predicted by at least two programs, were considered in subsequent analysis.

Literature cited by the submitters: PubMed 25666259.

Single allele

Variant type: Deletion.
Identifiers: ClinVar variation 157208 (VCV000157208.2).